The following is an entry in ClinVar:

NM_002691.4(POLD1):c.1242+1G>C

Gene: POLD1 (DNA polymerase delta 1, catalytic subunit; plus strand). Cytogenetic location: 19q13.33.
Variant type: single nucleotide variant.
Coding change: c.1242+1G>C on transcript NM_002691.4 (MANE Select); the canonical splice donor site of the intron after coding-DNA position 1242, G replaced by C.
Molecular consequence: splice donor variant.
Genome position (GRCh38, 1-based): chr19:50,403,598, G>C. VCF-style: chr19-50403598-G-C. GRCh37 (hg19) VCF-style: chr19-50906855-G-C.
Other names: c.1242+1G>C (NM_001256849.1, NM_001308632.1).
Identifiers: ClinVar variation 1047411 (VCV001047411.9), dbSNP rs2038752240, ClinGen allele CA406978653.
Genomic context (GRCh38, chr19:50,403,598, plus strand): 5'-GGTTACAACATCCAGAACTTCGACCTTCCGTACCTCATCTCTCGGGCCCAGACCCTCAAG[G>C]TGAGGGCTGGGCAGGTGGGAGGCTTCTCTCAGATGCCCCAGGTGTGGCCTCCGGGCCCTG-3'

ClinVar aggregate classification (germline): Uncertain significance (1 of 4 stars; one submission).

Conditions:
POLD1-related polyposis and colorectal cancer syndrome (CRCS10). Also called: Colorectal cancer 10; COLORECTAL CANCER, SUSCEPTIBILITY TO, ON CHROMOSOME 19q; Colorectal cancer, susceptibility to, 10. Identifiers: Orphanet 220460, MedGen C2675481, MONDO:0012953, OMIM 612591.

Submission:

Labcorp Genetics (formerly Invitae), Labcorp
Classification: Uncertain significance for POLD1-related polyposis and colorectal cancer syndrome. Last evaluated: 2020-06-09. Review status: criteria provided, single submitter. Criteria: Invitae Variant Classification Sherloc (09022015). Collection method: clinical testing. Allele origin: germline.
Comment: Missense variants that disrupt the 3'-5' exonuclease (proof-reading) activity of the POLD1 protein, are associated with an increased risk for colonic adenomatous polyps and colon cancer (PMID: 23263490, 23447401). However loss-of-function variants, which result in an absent or severely disrupted POLD1 protein, and missense variants outside the exonuclease domain, are unlikely to be associated with polyposis or colon cancer. Without further clinical and genetic evidence, this variant has been classified as a Variant of Uncertain Significance. Algorithms developed to predict the effect of sequence changes on RNA splicing suggest that this variant may disrupt the consensus splice site, but this prediction has not been confirmed by published transcriptional studies. This variant has not been reported in the literature in individuals with POLD1-related conditions. This variant is not present in population databases (ExAC no frequency). This sequence change affects a donor splice site in intron 10 of the POLD1 gene. It is expected to disrupt RNA splicing and likely results in an absent or disrupted protein product.

Literature cited by the submitters: PubMed 23263490; PubMed 23447401.